The following is an entry in ClinVar:

ClinVar aggregate classification (germline): Benign. Review status: criteria provided, multiple submitters, no conflicts (2 of 4 stars). 17 submissions from 13 submitters: Benign (16). 1 of the submissions does not count toward it. Last evaluated 2026-02-04.

Conditions:
Fetal akinesia, respiratory insufficiency, microcephaly, polymicrogyria, and dysmorphic facies. Identifiers: MedGen C5562015, MONDO:0859204, OMIM 619602.
Developmental and epileptic encephalopathy 98. Identifiers: MedGen C5562017, MONDO:0030472, OMIM 619605.
Inborn genetic diseases. Identifiers: MedGen C0950123, MeSH D030342.
Alternating hemiplegia of childhood 1 (AHC1). Identifiers: Orphanet 2131, MedGen C3549447, MONDO:0007087, OMIM 104290.
Migraine, familial hemiplegic, 2. Identifiers: Orphanet 569, MedGen C1865322, MONDO:0011232, OMIM 602481.
Familial hemiplegic migraine. Identifiers: MedGen C0338484, MONDO:0000700.

Allele frequency attached by ClinVar (database versions not stated): TOPMed 0.18154; gnomAD 0.18359 and 0.18737; ESP Exome Variant Server 0.19245; 1000 Genomes Project 30x 0.20924; 1000 Genomes Project 0.20966.
gnomAD v4.1: 312,905 of 1,613,918 alleles (19%); highest among the groups gnomAD compares: South Asian, 32%; 31,710 homozygotes.

Submissions (17):

Labcorp Genetics (formerly Invitae), Labcorp
Classification: Benign for Familial hemiplegic migraine. Last evaluated: 2026-02-04. Review status: criteria provided, single submitter. Criteria: Invitae Variant Classification Sherloc (09022015). Collection method: clinical testing. Allele origin: germline.

Blueprint Genetics
Classification: Benign. Last evaluated: 2024-11-26. Review status: criteria provided, single submitter. Criteria: ACMG Guidelines, 2015. Collection method: clinical testing. Allele origin: germline.

Unidad de Genómica Garrahan, Hospital de Pediatría Garrahan
Classification: Benign. Last evaluated: 2024-07-31. Review status: criteria provided, single submitter. Criteria: ACMG Guidelines, 2015. Collection method: clinical testing. Allele origin: germline. Affected: no. Observed: 20 variant alleles.
Comment: This variant is classified as Benign based on local population frequency. This variant was detected in 22% of patients studied in a panel designed for Epileptic and Developmental Encephalopathy, Progressive Myoclonus Epilepsy and Abnormal Movements and Neurodegeneration with brain iron accumulation. Number of patients: 20. Only high quality variants are reported.

Mayo Clinic Laboratories, Mayo Clinic
Classification: Benign. Last evaluated: 2022-03-24. Review status: criteria provided, single submitter. Criteria: ACMG Guidelines, 2015. Collection method: clinical testing. Allele origin: germline. Observed: 394 variant alleles.

Genome-Nilou Lab
Classification: Benign for Developmental and epileptic encephalopathy 98. Last evaluated: 2021-12-05. Review status: criteria provided, single submitter. Criteria: ACMG Guidelines, 2015. Collection method: clinical testing. Allele origin: germline. Affected: no.

Genome-Nilou Lab
Classification: Benign for Fetal akinesia, respiratory insufficiency, microcephaly, polymicrogyria, and dysmorphic facies. Last evaluated: 2021-12-05. Review status: criteria provided, single submitter. Criteria: ACMG Guidelines, 2015. Collection method: clinical testing. Allele origin: germline. Affected: no.

Genome-Nilou Lab
Classification: Benign for Migraine, familial hemiplegic, 2. Last evaluated: 2021-12-05. Review status: criteria provided, single submitter. Criteria: ACMG Guidelines, 2015. Collection method: clinical testing. Allele origin: germline. Affected: no.

Genome-Nilou Lab
Classification: Benign for Alternating hemiplegia of childhood 1. Last evaluated: 2021-07-14. Review status: criteria provided, single submitter. Criteria: ACMG Guidelines, 2015. Collection method: clinical testing. Allele origin: germline. Affected: no.

Illumina Laboratory Services, Illumina
Classification: Benign for Alternating hemiplegia of childhood 1. Last evaluated: 2018-01-12. Review status: criteria provided, single submitter. Criteria: ICSL Variant Classification Criteria 13 December 2019. Collection method: clinical testing. Allele origin: germline.
Comment: This variant was observed in the ICSL laboratory as part of a predisposition screen in an ostensibly healthy population. It had not been previously curated by ICSL or reported in the Human Gene Mutation Database (HGMD: prior to June 1st, 2018), and was therefore a candidate for classification through an automated scoring system. Utilizing variant allele frequency, disease prevalence and penetrance estimates, and inheritance mode, an automated score was calculated to assess if this variant is too frequent to cause the disease. Based on the score and internal cut-off values, a variant classified as benign is not then subjected to further curation. The score for this variant resulted in a classification of benign for this disease.

Illumina Laboratory Services, Illumina
Classification: Benign for Migraine, familial hemiplegic, 2. Last evaluated: 2018-01-12. Review status: criteria provided, single submitter. Criteria: ICSL Variant Classification Criteria 13 December 2019. Collection method: clinical testing. Allele origin: germline.
Comment: the same text as in the submission from Illumina Laboratory Services, Illumina above.

Athena Diagnostics
Classification: Benign. Last evaluated: 2017-04-07. Review status: criteria provided, single submitter. Criteria: Athena Diagnostics Criteria. Collection method: clinical testing. Allele origin: germline.

Ambry Genetics
Classification: Benign for Inborn genetic diseases. Last evaluated: 2016-02-09. Review status: criteria provided, single submitter. Criteria: Ambry Variant Classification Scheme 2023. Collection method: clinical testing. Allele origin: germline.

GeneDx
Classification: Benign. Last evaluated: 2015-03-03. Review status: criteria provided, single submitter. Criteria: GeneDx Variant Classification Process June 2021. Collection method: clinical testing. Allele origin: germline. Affected: yes.

Eurofins Ntd Llc (ga)
Classification: Benign. Last evaluated: 2014-07-04. Review status: criteria provided, single submitter. Criteria: EGL Classification Definitions 2015. Collection method: clinical testing. Allele origin: germline. Observed: 1 variant allele, 1 heterozygote.

Breakthrough Genomics
Classification: Benign. Review status: criteria provided, single submitter. Criteria: ACMG Guidelines, 2015. Collection method: not provided. Allele origin: germline. Inheritance: Autosomal recessive inheritance. Affected: yes.

PreventionGenetics, part of Exact Sciences
Classification: Benign. Review status: criteria provided, single submitter. Criteria: ACMG Guidelines, 2015. Collection method: clinical testing. Allele origin: germline.

Genetic Services Laboratory, University of Chicago
Classification: Likely benign for AllHighlyPenetrant. Review status: no assertion criteria provided. Collection method: clinical testing. Allele origin: germline. Inheritance: Autosomal dominant inheritance. Not counted in ClinVar's aggregate classification.
Comment: Likely benign based on allele frequency in 1000 Genomes Project or ESP global frequency and its presence in a patient with a rare or unrelated disease phenotype. NOT Sanger confirmed.

Literature cited by the submitters: PubMed 15174025 (cited by Athena Diagnostics).

NM_000702.4(ATP1A2):c.1119G>A (p.Ser373=)

Gene: ATP1A2 (ATPase Na+/K+ transporting subunit alpha 2; plus strand). Cytogenetic location: 1q23.2.
Variant type: single nucleotide variant.
Coding change: c.1119G>A on transcript NM_000702.4 (MANE Select); coding-DNA position 1119, G replaced by A.
Protein change: p.Ser373=; no amino-acid change (serine 373 retained).
Molecular consequence: synonymous variant.
Genome position (GRCh38, 1-based): chr1:160,128,753, G>A. VCF-style: chr1-160128753-G-A. GRCh37 (hg19) VCF-style: chr1-160098543-G-A.
Other names: p.Ser373=.
Identifiers: ClinVar variation 128477 (VCV000128477.38), dbSNP rs1063125, ClinGen allele CA151968.
Genomic context (GRCh38, chr1:160,128,753, plus strand): 5'-CTGCCTGGTGAAGAACCTGGAGGCGGTGGAGACGCTGGGCTCCACGTCCACCATCTGCTC[G>A]GACAAGACGGGCACCCTCACCCAGAACCGCATGACCGTCGCCCACATGTGGTTCGACAAC-3'
Protein context (NP_000693.1, residues 363-383): ETLGSTSTIC[Ser373=]DKTGTLTQNR